The following is an entry in ClinVar:

NM_002691.4(POLD1):c.1545T>C (p.Asp515=)

Gene: POLD1 (DNA polymerase delta 1, catalytic subunit; plus strand). Cytogenetic location: 19q13.33.
Variant type: single nucleotide variant.
Coding change: c.1545T>C on transcript NM_002691.4 (MANE Select); coding-DNA position 1545, T replaced by C.
Protein change: p.Asp515=; no amino-acid change (aspartic acid 515 retained).
Molecular consequence: synonymous variant. On other transcripts: non-coding transcript variant (1).
Genome position (GRCh38, 1-based): chr19:50,407,033, T>C. VCF-style: chr19-50407033-T-C. GRCh37 (hg19) VCF-style: chr19-50910290-T-C.
Other names: c.1545T>C, p.Asp515= (NM_001256849.1, NM_001308632.1).
Identifiers: ClinVar variation 3904250 (VCV003904250.1).
Genomic context (GRCh38, chr19:50,407,033, plus strand): 5'-CCATCCCCAGAATGGGAACGACCAGACCCGCCGCCGCCTGGCTGTGTACTGCCTGAAGGA[T>C]GCCTACCTGCCACTGCGGCTGCTGGAGCGGCTCATGGTGCTGGTGAACGCCGTGGAGATG-3'
Protein context (NP_002682.2, residues 505-525): RRRLAVYCLK[Asp515=]AYLPLRLLER

ClinVar aggregate classification (germline): Benign (1 of 4 stars; one submission).

Conditions:
POLD1-related polyposis and colorectal cancer syndrome (CRCS10). Also called: Colorectal cancer 10; COLORECTAL CANCER, SUSCEPTIBILITY TO, ON CHROMOSOME 19q; Colorectal cancer, susceptibility to, 10. Identifiers: Orphanet 220460, MedGen C2675481, MONDO:0012953, OMIM 612591.

Submission:

Myriad Genetics, Inc.
Classification: Benign for POLD1-related polyposis and colorectal cancer syndrome. Last evaluated: 2025-02-06. Review status: criteria provided, single submitter. Criteria: Myriad Autosomal Dominant, Autosomal Recessive and X-Linked Classification Criteria (2023). Collection method: clinical testing. Allele origin: unknown.
Comment: This variant is considered benign. This variant is a silent/synonymous amino acid change and it is not expected to impact splicing.